The following is an entry in ClinVar:

NM_005251.3(FOXC2):c.712C>A (p.Gln238Lys)

Gene: FOXC2 (forkhead box C2; plus strand). Cytogenetic location: 16q24.1.
Variant type: single nucleotide variant.
Coding change: c.712C>A on transcript NM_005251.3 (MANE Select); coding-DNA position 712, C replaced by A.
Protein change: p.Gln238Lys; replaces glutamine 238 with lysine.
Molecular consequence: missense variant.
Genome position (GRCh38, 1-based): chr16:86,568,047, C>A. VCF-style: chr16-86568047-C-A. GRCh37 (hg19) VCF-style: chr16-86601653-C-A.
Other names: short protein forms Q238K.
Identifiers: ClinVar variation 4259021 (VCV004259021.2).

ClinVar aggregate classification (germline): Uncertain significance. Review status: criteria provided, multiple submitters, no conflicts (2 of 4 stars). 2 submissions from 2 submitters: Uncertain significance (2). Last evaluated 2026-02-23.

Conditions:
Distichiasis-lymphedema syndrome. Also called: LYMPHEDEMA WITH DISTICHIASIS. Identifiers: Orphanet 33001, MedGen C0265345, MONDO:0007922, OMIM 153400.
Inborn genetic diseases. Identifiers: MedGen C0950123, MeSH D030342.

Submissions (2):

Clinical Genomics Laboratory, Washington University in St. Louis
Classification: Uncertain significance for Distichiasis-lymphedema syndrome. Last evaluated: 2026-02-23. Review status: criteria provided, single submitter. Criteria: ACMG Guidelines, 2015. Collection method: clinical testing. Allele origin: germline.
Comment: A FOXC2 c.712C>A (p.Gln238Lys) variant was identified at a heterozygous allelic fraction of 51.3%, a frequency which may be consistent with germline origin. This variant, to our knowledge, has not been reported in the medical literature but has been reported in the ClinVar database as a germline variant of uncertain significance by one submitter (ClinVar Variation ID: 4259021). Computational predictors suggest that the variant does not impact FOXC2 function. Due to limited information, and based on ACMG/AMP guidelines for variant interpretation (Richards S et al., PMID: 25741868), the clinical significance of this variant is uncertain at this time.

Ambry Genetics
Classification: Uncertain significance for Inborn genetic diseases. Last evaluated: 2025-08-30. Review status: criteria provided, single submitter. Criteria: Ambry Variant Classification Scheme 2023. Collection method: clinical testing. Allele origin: germline.